The following is an entry in ClinVar:

ClinVar aggregate classification (germline): Uncertain significance (1 of 4 stars; one submission).

Conditions:
Muscular dystrophy-dystroglycanopathy (congenital with brain and eye anomalies), type A9. Also called: WALKER-WARBURG SYNDROME OR MUSCLE-EYE BRAIN DISEASE, DAG1-RELATED; Muscular dystrophy-dystroglycanopathy (congenital with brain and eye anomalies), type a, 9. Identifiers: Orphanet 370997, Orphanet 899, MedGen C4225291, MONDO:0014683, OMIM 616538.
Autosomal recessive limb-girdle muscular dystrophy type 2P. Also called: MUSCULAR DYSTROPHY-DYSTROGLYCANOPATHY, LIMB-GIRDLE, DAG1-RELATED; Limb-Girdle Muscular Dystrophy Type 9C; MUSCULAR DYSTROPHY, LIMB-GIRDLE, TYPE 2P. Identifiers: Orphanet 280333, MedGen C4511963, MONDO:0013440, OMIM 613818.

Allele frequency attached by ClinVar (database versions not stated): gnomAD 0.00001; gnomAD exomes 0.00001; TOPMed 0.00001; ExAC 0.00002.
gnomAD v4.1: 14 of 1,613,652 alleles (0.00087%); highest among the groups gnomAD compares: African/African-American, 0.004%; no homozygotes.

Submission:

Labcorp Genetics (formerly Invitae), Labcorp
Classification: Uncertain significance for Autosomal recessive limb-girdle muscular dystrophy type 2P; Muscular dystrophy-dystroglycanopathy (congenital with brain and eye anomalies), type A9. Last evaluated: 2023-10-22. Review status: criteria provided, single submitter. Criteria: Invitae Variant Classification Sherloc (09022015). Collection method: clinical testing. Allele origin: germline.
Comment: This sequence change replaces arginine, which is basic and polar, with tryptophan, which is neutral and slightly polar, at codon 389 of the DAG1 protein (p.Arg389Trp). This variant is present in population databases (rs761013011, gnomAD 0.007%). This variant has not been reported in the literature in individuals affected with DAG1-related conditions. ClinVar contains an entry for this variant (Variation ID: 2143684). Advanced modeling of protein sequence and biophysical properties (such as structural, functional, and spatial information, amino acid conservation, physicochemical variation, residue mobility, and thermodynamic stability) performed at Invitae indicates that this missense variant is not expected to disrupt DAG1 protein function. In summary, the available evidence is currently insufficient to determine the role of this variant in disease. Therefore, it has been classified as a Variant of Uncertain Significance.

NM_004393.6(DAG1):c.1165C>T (p.Arg389Trp)

Gene: DAG1 (dystroglycan 1; plus strand). Cytogenetic location: 3p21.31.
Variant type: single nucleotide variant.
Coding change: c.1165C>T on transcript NM_004393.6 (MANE Select); coding-DNA position 1165, C replaced by T.
Protein change: p.Arg389Trp; replaces arginine 389 with tryptophan.
Molecular consequence: missense variant.
Genome position (GRCh38, 1-based): chr3:49,531,676, C>T. VCF-style: chr3-49531676-C-T. GRCh37 (hg19) VCF-style: chr3-49569109-C-T.
Other names: c.1165C>T, p.Arg389Trp (NM_001165928.4, NM_001177634.3, NM_001177635.3 and 9 more transcripts); short protein forms R389W.
Identifiers: ClinVar variation 2143684 (VCV002143684.2), dbSNP rs761013011, ClinGen allele CA2399021.